The following is an entry in ClinVar:

NM_000038.6(APC):c.7835G>C (p.Trp2612Ser)

Gene: APC (APC regulator of Wnt signaling pathway; plus strand). Cytogenetic location: 5q22.2.
Variant type: single nucleotide variant.
Coding change: c.7835G>C on transcript NM_000038.6 (MANE Select); coding-DNA position 7835, G replaced by C.
Protein change: p.Trp2612Ser; replaces tryptophan 2612 with serine.
Molecular consequence: missense variant. On other transcripts: non-coding transcript variant (2).
Genome position (GRCh38, 1-based): chr5:112,843,429, G>C. VCF-style: chr5-112843429-G-C. GRCh37 (hg19) VCF-style: chr5-112179126-G-C.
Other names: c.7835G>C, p.Trp2612Ser (NM_001127510.3, NM_001354895.2, NM_001407450.1); c.7781G>C, p.Trp2594Ser (NM_001127511.3); c.7889G>C, p.Trp2630Ser (NM_001354896.2, NM_001407447.1, NM_001407448.1 and 1 more transcripts); c.7865G>C, p.Trp2622Ser (NM_001354897.2); c.7760G>C, p.Trp2587Ser (NM_001354898.2); c.7751G>C, p.Trp2584Ser (NM_001354899.2); c.7712G>C, p.Trp2571Ser (NM_001354900.2); c.7658G>C, p.Trp2553Ser (NM_001354901.2, NM_001407453.1); and 11 more; short protein forms W2228S, W2452S, W2511S, W2571S, W2640S, W2486S, W2553S, W2584S.
Identifiers: ClinVar variation 2861029 (VCV002861029.3), dbSNP rs2149994629, ClinGen allele CA16038351.
Genomic context (GRCh38, chr5:112,843,429, plus strand): 5'-TGAACTCTATTTCAGGAACCAAACAAAGTAAAGAAAACCAAGTATCCGCAAAAGGAACAT[G>C]GAGAAAAATAAAAGAAAATGAATTTTCTCCCACAAATAGTACTTCTCAGACCGTTTCCTC-3'
Protein context (NP_000029.2, residues 2602-2622): KENQVSAKGT[Trp2612Ser]RKIKENEFSP

ClinVar aggregate classification (germline): Uncertain significance (1 of 4 stars; one submission).

Conditions:
Familial adenomatous polyposis 1 (FAP1). Also called: FAMILIAL ADENOMATOUS POLYPOSIS 1, ATTENUATED; POLYPOSIS, ADENOMATOUS INTESTINAL. Identifiers: MedGen C2713442, MONDO:0021056, OMIM 175100. Disease mechanism: loss of function.

Submission:

Labcorp Genetics (formerly Invitae), Labcorp
Classification: Uncertain significance for Familial adenomatous polyposis 1. Last evaluated: 2023-05-01. Review status: criteria provided, single submitter. Criteria: Invitae Variant Classification Sherloc (09022015). Collection method: clinical testing. Allele origin: germline.
Comment: In summary, the available evidence is currently insufficient to determine the role of this variant in disease. Therefore, it has been classified as a Variant of Uncertain Significance. Advanced modeling of protein sequence and biophysical properties (such as structural, functional, and spatial information, amino acid conservation, physicochemical variation, residue mobility, and thermodynamic stability) has been performed at Invitae for this missense variant, however the output from this modeling did not meet the statistical confidence thresholds required to predict the impact of this variant on APC protein function. This variant has not been reported in the literature in individuals affected with APC-related conditions. This variant is not present in population databases (gnomAD no frequency). This sequence change replaces tryptophan, which is neutral and slightly polar, with serine, which is neutral and polar, at codon 2612 of the APC protein (p.Trp2612Ser).